The following is an entry in ClinVar:

ClinVar aggregate classification (germline): Likely benign. Review status: criteria provided, single submitter (1 of 4 stars). 2 submissions from 2 submitters: Likely benign (1). 1 of the submissions does not count toward it. Last evaluated 2023-11-10.

Conditions:
GABRA2-related disorder. Also called: GABRA2-related condition.

Allele frequency attached by ClinVar (database versions not stated): gnomAD exomes 0.00002; TOPMed 0.00002; ExAC 0.00003; gnomAD 0.00003.
gnomAD v4.1: 29 of 1,589,394 alleles (0.0018%); highest among the groups gnomAD compares: South Asian, 0.0069%; no homozygotes.

Submissions (2):

Labcorp Genetics (formerly Invitae), Labcorp
Classification: Likely benign. Last evaluated: 2023-11-10. Review status: criteria provided, single submitter. Criteria: Invitae Variant Classification Sherloc (09022015). Collection method: clinical testing. Allele origin: germline.

PreventionGenetics, part of Exact Sciences
Classification: Likely benign for GABRA2-related condition. Last evaluated: 2019-12-19. Review status: no assertion criteria provided. Collection method: clinical testing. Allele origin: germline. Not counted in ClinVar's aggregate classification.
Comment: This variant is classified as likely benign based on ACMG/AMP sequence variant interpretation guidelines (Richards et al. 2015 PMID: 25741868, with internal and published modifications).

NM_000807.4(GABRA2):c.1077C>T (p.Ser359=)

Gene: GABRA2 (gamma-aminobutyric acid type A receptor subunit alpha2; minus strand). Cytogenetic location: 4p12.
Variant type: single nucleotide variant.
Coding change: c.1077C>T on transcript NM_000807.4 (MANE Select); coding-DNA position 1077, C replaced by T.
Protein change: p.Ser359=; no amino-acid change (serine 359 retained).
Molecular consequence: synonymous variant.
Genome position (GRCh38, 1-based): chr4:46,250,587, G>A on the plus strand (C>T on the coding strand, the complement: GABRA2 is on the minus strand). VCF-style: chr4-46250587-G-A. GRCh37 (hg19) VCF-style: chr4-46252604-G-A.
Other names: c.1077C>T (NM_000807.3); c.1077C>T, p.Ser359= (NM_001114175.3, NM_001377146.1, NM_001377147.1 and 4 more transcripts); c.1092C>T, p.Ser364= (NM_001286827.3); c.1257C>T, p.Ser419= (NM_001330690.2, NM_001377144.1, NM_001377145.1); c.912C>T, p.Ser304= (NM_001377152.1, NM_001377153.1, NM_001377154.1).
Identifiers: ClinVar variation 2189132 (VCV002189132.6), dbSNP rs746609746, ClinGen allele CA2906568.